The following is an entry in ClinVar:

ClinVar aggregate classification (germline): Conflicting classifications of pathogenicity. Review status: criteria provided, conflicting classifications (1 of 4 stars). 2 submissions from 2 submitters: Likely pathogenic (1); Uncertain significance (1). Last evaluated 2020-08-24.

Conditions:
Diamond-Blackfan anemia. Also called: Blackfan Diamond syndrome; Aregenerative anemia chronic congenital; Red cell aplasia, pure hereditary; Congenital hypoplastic anemia; Aase syndrome. Identifiers: Orphanet 124, MedGen C1260899, MeSH D029503, MONDO:0015253, HP:0004810.

Submissions (2):

Labcorp Genetics (formerly Invitae), Labcorp
Classification: Likely pathogenic for Diamond-Blackfan anemia. Last evaluated: 2020-08-24. Review status: criteria provided, single submitter. Criteria: Invitae Variant Classification Sherloc (09022015). Collection method: clinical testing. Allele origin: germline.
Comment: This variant has not been reported in the literature in individuals with RPL5-related conditions. ClinVar contains an entry for this variant (Variation ID: 423534). This variant is not present in population databases (ExAC no frequency). This sequence change affects an acceptor splice site in intron 3 of the RPL5 gene. It is expected to disrupt RNA splicing and likely results in an absent or disrupted protein product. Algorithms developed to predict the effect of sequence changes on RNA splicing suggest that this variant may disrupt the consensus splice site, but this prediction has not been confirmed by published transcriptional studies. In summary, the currently available evidence indicates that the variant is pathogenic, but additional data are needed to prove that conclusively. Therefore, this variant has been classified as Likely Pathogenic. Donor and acceptor splice site variants typically lead to a loss of protein function (PMID: 16199547), and loss-of-function variants in RPL5 are known to be pathogenic (PMID: 19061985, 19773262).

GeneDx
Classification: Uncertain significance. Last evaluated: 2017-02-16. Review status: criteria provided, single submitter. Criteria: GeneDx Variant Classification (06012015). Collection method: clinical testing. Allele origin: germline. Affected: yes.
Comment: The c.190-7_190-2delACTATA variant has not been published as a pathogenic variant, nor has it been reported as a benign variant to our knowledge. The variant is not observed in large population cohorts (Lek et al., 2016; 1000 Genomes Consortium et al., 2015; Exome Variant Server). Several in-silico splice prediction models predict that c.190-7_190-2delACTATA destroys the canonical splice acceptor site for intron 3 and leads to abnormal gene splicing. However, the adjacent exon 4 remains in frame. In the absence of RNA/functional studies, the actual effect of this sequence change in this individual is unknown. Therefore, based on the currently available information, it is unclear whether this variant is a pathogenic variant or a rare benign variant.

Literature cited by the submitters: PubMed 16199547 (cited by Labcorp Genetics (formerly Invitae), Labcorp); PubMed 19061985 (cited by Labcorp Genetics (formerly Invitae), Labcorp); PubMed 19773262 (cited by Labcorp Genetics (formerly Invitae), Labcorp).

NM_000969.5(RPL5):c.190-7_190-2del

Genes: DIPK1A (divergent protein kinase domain 1A; minus strand), RPL5 (ribosomal protein L5; plus strand). Cytogenetic location: 1p22.1.
Variant type: Deletion.
Coding change: c.190-7_190-2del on transcript NM_000969.5 (MANE Select); 7 bases into the intron before coding-DNA position 190 through the canonical splice acceptor site of the intron before coding-DNA position 190, 6 bases deleted (ACTATA; older notation c.190-7_190-2delACTATA).
Molecular consequence: splice acceptor variant. On other transcripts: intron variant (1).
Genome position (GRCh38, 1-based): chr1:92,834,772-92,834,777, ACTATA deleted. VCF-style (leftmost placement, unchanged base first): chr1-92834771-TACTATA-T. GRCh37 (hg19) VCF-style: chr1-93300328-TACTATA-T.
Other names: c.475-1743_475-1738del (NM_001252273.2).
Identifiers: ClinVar variation 423534 (VCV000423534.9), dbSNP rs1064796479, ClinGen allele CA16617197.